The following is an entry in ClinVar:

ClinVar aggregate classification (germline): Uncertain significance (1 of 4 stars; one submission).

Conditions:
Ataxia-telangiectasia syndrome (AT). Also called: LOUIS-BAR SYNDROME; Cerebello-oculocutaneous telangiectasia; Immunodeficiency with ataxia telangiectasia; Ataxia-telangiectasia, complementation group D; AT, COMPLEMENTATION GROUP C; Ataxia-telangiectasia, complementation group E. Identifiers: Orphanet 100, MedGen C0004135, MONDO:0008840, OMIM 208900.

Submission:

Labcorp Genetics (formerly Invitae), Labcorp
Classification: Uncertain significance for Ataxia-telangiectasia syndrome. Last evaluated: 2020-08-24. Review status: criteria provided, single submitter. Criteria: Invitae Variant Classification Sherloc (09022015). Collection method: clinical testing. Allele origin: germline.
Comment: In summary, the available evidence is currently insufficient to determine the role of this variant in disease. Therefore, it has been classified as a Variant of Uncertain Significance. Algorithms developed to predict the effect of sequence changes on RNA splicing suggest that this variant may create or strengthen a splice site, but this prediction has not been confirmed by published transcriptional studies. Algorithms developed to predict the effect of missense changes on protein structure and function (SIFT, PolyPhen-2, Align-GVGD) all suggest that this variant is likely to be disruptive, but these predictions have not been confirmed by published functional studies and their clinical significance is uncertain. This variant has not been reported in the literature in individuals with ATM-related conditions. ClinVar contains an entry for this variant (Variation ID: 453711). This variant is not present in population databases (ExAC no frequency). This sequence change replaces leucine with arginine at codon 2656 of the ATM protein (p.Leu2656Arg). The leucine residue is moderately conserved and there is a moderate physicochemical difference between leucine and arginine.

NM_000051.4(ATM):c.7967T>G (p.Leu2656Arg)

Genes: ATM (ATM serine/threonine kinase; plus strand), C11orf65 (chromosome 11 open reading frame 65; minus strand). Cytogenetic location: 11q22.3.
Variant type: single nucleotide variant.
Coding change: c.7967T>G on transcript NM_000051.4 (MANE Select); coding-DNA position 7967, T replaced by G.
Protein change: p.Leu2656Arg; replaces leucine 2656 with arginine.
Molecular consequence: missense variant. On other transcripts: intron variant (2).
Genome position (GRCh38, 1-based): chr11:108,333,925, T>G. VCF-style: chr11-108333925-T-G. GRCh37 (hg19) VCF-style: chr11-108204652-T-G.
Other names: c.*38+1295A>C (NM_001351110.2); c.7967T>G, p.Leu2656Arg (NM_001351834.2); c.641-24854A>C (NM_001330368.2); short protein forms L2656R.
Identifiers: ClinVar variation 453711 (VCV000453711.11), dbSNP rs121434218, ClinGen allele CA382561729.
Genomic context (GRCh38, chr11:108,333,925, plus strand): 5'-TCTCTTCATTTTTAAATACAGAAGGCATAAATATTCCAGCAGACCAGCCAATTACTAAAC[T>G]TAAGAATTTAGAAGATGTTGTTGTCCCTACTATGGAAATTAAGGTAATTTGCAATTAACT-3'
Protein context (NP_000042.3, residues 2646-2666): NIPADQPITK[Leu2656Arg]KNLEDVVVPT